The following is an entry in ClinVar:

ClinVar aggregate classification (germline): Conflicting classifications of pathogenicity. Review status: criteria provided, conflicting classifications (1 of 4 stars). 2 submissions from 2 submitters: Likely pathogenic (1); Uncertain significance (1). Last evaluated 2022-07-18.

Allele frequency attached by ClinVar (database versions not stated): TOPMed below 0.00001; gnomAD 0.00001.
gnomAD v4.1: 4 of 1,614,066 alleles (0.00025%); highest among the groups gnomAD compares: African/African-American, 0.0013%; no homozygotes.

Submissions (2):

Labcorp Genetics (formerly Invitae), Labcorp
Classification: Likely pathogenic. Last evaluated: 2022-07-18. Review status: criteria provided, single submitter. Criteria: Invitae Variant Classification Sherloc (09022015). Collection method: clinical testing. Allele origin: germline.
Comment: In summary, the currently available evidence indicates that the variant is pathogenic, but additional data are needed to prove that conclusively. Therefore, this variant has been classified as Likely Pathogenic. Advanced modeling of protein sequence and biophysical properties (such as structural, functional, and spatial information, amino acid conservation, physicochemical variation, residue mobility, and thermodynamic stability) performed at Invitae indicates that this missense variant is expected to disrupt ABCA4 protein function. ClinVar contains an entry for this variant (Variation ID: 1046591). This missense change has been observed in individual(s) with Stargardt disease (Invitae). This variant is present in population databases (rs764435582, gnomAD 0.004%). This sequence change replaces leucine, which is neutral and non-polar, with proline, which is neutral and non-polar, at codon 1274 of the ABCA4 protein (p.Leu1274Pro).

Blueprint Genetics
Classification: Uncertain significance. Last evaluated: 2022-03-22. Review status: criteria provided, single submitter. Criteria: ACMG Guidelines, 2015. Collection method: clinical testing. Allele origin: germline.

NM_000350.3(ABCA4):c.3821T>C (p.Leu1274Pro)

Genes: ABCA4 (ATP binding cassette subfamily A member 4; minus strand), LOC126805794 (BRD4-independent group 4 enhancer GRCh37_chr1:94502188-94503387; plus strand). Cytogenetic location: 1p22.1.
Variant type: single nucleotide variant.
Coding change: c.3821T>C on transcript NM_000350.3 (MANE Select); coding-DNA position 3821, T replaced by C.
Protein change: p.Leu1274Pro; replaces leucine 1274 with proline.
Molecular consequence: missense variant.
Genome position (GRCh38, 1-based): chr1:94,036,781, A>G on the plus strand (T>C on the coding strand, the complement: ABCA4 is on the minus strand). VCF-style: chr1-94036781-A-G. GRCh37 (hg19) VCF-style: chr1-94502337-A-G.
Other names: c.3599T>C, p.Leu1200Pro (NM_001425324.1); short protein forms L1274P, L1200P.
Identifiers: ClinVar variation 1046591 (VCV001046591.10), dbSNP rs764435582, ClinGen allele CA957815.